The following is an entry in ClinVar:

NM_000039.3(APOA1):c.653C>G (p.Ala218Gly)

Gene: APOA1 (apolipoprotein A1; minus strand). Cytogenetic location: 11q23.3.
Variant type: single nucleotide variant.
Coding change: c.653C>G on transcript NM_000039.3 (MANE Select); coding-DNA position 653, C replaced by G.
Protein change: p.Ala218Gly; replaces alanine 218 with glycine.
Molecular consequence: missense variant.
Genome position (GRCh38, 1-based): chr11:116,835,959, G>C on the plus strand (C>G on the coding strand, the complement: APOA1 is on the minus strand). VCF-style: chr11-116835959-G-C. GRCh37 (hg19) VCF-style: chr11-116706675-G-C.
Other names: c.653C>G, p.Ala218Gly (NM_001318017.2, NM_001318018.2, NM_001425090.1); c.326C>G, p.Ala109Gly (NM_001318021.2, NM_001425091.1, NM_001425092.1); c.608C>G, p.Ala203Gly (NM_001425093.1); short protein forms A109G, A203G, A218G.
Identifiers: ClinVar variation 3610869 (VCV003610869.2).
Genomic context (GRCh38, chr11:116,835,959, plus strand): 5'-AGGTCCTCGAGCGCGGGCTTGGCCTTCTCGCTGAGCGTGCTCAGATGCTCGGTGGCCTTG[G>C]CGTGGTACTCGGCCAGTCTGGCGCCGCCGTTCTCCTTGAGAGCCTCAAGGCGCGCGGCCA-3'
Protein context (NP_000030.1, residues 208-228): NGGARLAEYH[Ala218Gly]KATEHLSTLS

ClinVar aggregate classification (germline): Uncertain significance (1 of 4 stars; one submission).

Submission:

Labcorp Genetics (formerly Invitae), Labcorp
Classification: Uncertain significance. Last evaluated: 2024-03-02. Review status: criteria provided, single submitter. Criteria: Invitae Variant Classification Sherloc (09022015). Collection method: clinical testing. Allele origin: germline.
Comment: This sequence change replaces alanine, which is neutral and non-polar, with glycine, which is neutral and non-polar, at codon 218 of the APOA1 protein (p.Ala218Gly). This variant is present in population databases (no rsID available, gnomAD 0.0009%). This variant has not been reported in the literature in individuals affected with APOA1-related conditions. Advanced modeling of protein sequence and biophysical properties (such as structural, functional, and spatial information, amino acid conservation, physicochemical variation, residue mobility, and thermodynamic stability) performed at Invitae indicates that this missense variant is not expected to disrupt APOA1 protein function with a negative predictive value of 80%. In summary, the available evidence is currently insufficient to determine the role of this variant in disease. Therefore, it has been classified as a Variant of Uncertain Significance.